The following is an entry in ClinVar:

ClinVar aggregate classification (germline): Uncertain significance. Review status: criteria provided, multiple submitters, no conflicts (2 of 4 stars). 4 submissions from 4 submitters: Uncertain significance (4). Last evaluated 2026-04-14.

Conditions:
PDGFRA-related disorder. Also called: PDGFRA-related condition.
Polyps, multiple and recurrent inflammatory fibroid, gastrointestinal. Identifiers: MedGen C5193005, MONDO:0008285, OMIM 175510.
Hereditary cancer-predisposing syndrome. Also called: Neoplastic Syndromes, Hereditary; Tumor predisposition; Hereditary Cancer Syndrome; Hereditary neoplastic syndrome. Identifiers: Orphanet 140162, MedGen C0027672, MeSH D009386, MONDO:0015356.
Gastrointestinal stromal tumor. Also called: Gastrointestinal stroma tumor; Gastrointestinal stromal tumor, somatic. Identifiers: Orphanet 44890, MedGen C0238198, MeSH D046152, MONDO:0011719, OMIM 606764, HP:0100723.

Allele frequency attached by ClinVar (database versions not stated): gnomAD exomes below 0.00001 and 0.00002; ExAC 0.00001; gnomAD 0.00001; TOPMed 0.00002.
gnomAD v4.1: 23 of 1,613,440 alleles (0.0014%); highest among the groups gnomAD compares: Non-Finnish European, 0.0019%; no homozygotes.

Submissions (4):

PreventionGenetics, part of Exact Sciences
Classification: Uncertain significance for PDGFRA-related condition. Last evaluated: 2026-04-14. Review status: criteria provided, single submitter. Criteria: ACMG Guidelines, 2015. Collection method: clinical testing. Allele origin: germline.
Comment: The PDGFRA c.2711C>T variant is predicted to result in the amino acid substitution p.Thr904Ile. To our knowledge, this variant has not been reported in the literature. This variant is reported in 0.00088% of alleles in individuals of European (Non-Finnish) descent in gnomAD and is interpreted as uncertain in ClinVar (Variation ID: 407430). At this time, the clinical significance of this variant is uncertain due to the absence of conclusive functional and genetic evidence.

Labcorp Genetics (formerly Invitae), Labcorp
Classification: Uncertain significance for Gastrointestinal stromal tumor. Last evaluated: 2026-01-26. Review status: criteria provided, single submitter. Criteria: Invitae Variant Classification Sherloc (09022015). Collection method: clinical testing. Allele origin: germline.
Comment: This sequence change replaces threonine, which is neutral and polar, with isoleucine, which is neutral and non-polar, at codon 904 of the PDGFRA protein (p.Thr904Ile). This variant is present in population databases (rs778327861, gnomAD 0.0009%). This variant has not been reported in the literature in individuals affected with PDGFRA-related conditions. ClinVar contains an entry for this variant (Variation ID: 407430). Invitae Evidence Modeling of protein sequence and biophysical properties (such as structural, functional, and spatial information, amino acid conservation, physicochemical variation, residue mobility, and thermodynamic stability) indicates that this missense variant is not expected to disrupt PDGFRA protein function with a negative predictive value of 80%. In summary, the available evidence is currently insufficient to determine the role of this variant in disease. Therefore, it has been classified as a Variant of Uncertain Significance.

Ambry Genetics
Classification: Uncertain significance for Hereditary cancer-predisposing syndrome. Last evaluated: 2025-11-17. Review status: criteria provided, single submitter. Criteria: Ambry Variant Classification Scheme 2023. Collection method: clinical testing. Allele origin: germline.
Comment: The p.T904I variant (also known as c.2711C>T), located in coding exon 19 of the PDGFRA gene, results from a C to T substitution at nucleotide position 2711. The threonine at codon 904 is replaced by isoleucine, an amino acid with similar properties. This amino acid position is not well conserved in available vertebrate species. In addition, the in silico prediction for this alteration is inconclusive. Since supporting evidence is limited at this time, the clinical significance of this alteration remains unclear.

Baylor Genetics
Classification: Uncertain significance for Polyps, multiple and recurrent inflammatory fibroid, gastrointestinal. Last evaluated: 2024-01-28. Review status: criteria provided, single submitter. Criteria: ACMG Guidelines, 2015. Collection method: clinical testing. Allele origin: unknown.

NM_006206.6(PDGFRA):c.2711C>T (p.Thr904Ile)

Gene: PDGFRA (platelet derived growth factor receptor alpha; plus strand). Cytogenetic location: 4q12.
Variant type: single nucleotide variant.
Coding change: c.2711C>T on transcript NM_006206.6 (MANE Select); coding-DNA position 2711, C replaced by T.
Protein change: p.Thr904Ile; replaces threonine 904 with isoleucine.
Molecular consequence: missense variant.
Genome position (GRCh38, 1-based): chr4:54,288,835, C>T. VCF-style: chr4-54288835-C-T. GRCh37 (hg19) VCF-style: chr4-55155002-C-T.
Other names: c.2711C>T (NM_006206.5); c.2786C>T, p.Thr929Ile (NM_001347828.2); c.2711C>T, p.Thr904Ile (NM_001347829.2); c.2750C>T, p.Thr917Ile (NM_001347830.2); short protein forms T904I, T917I, T929I.
Identifiers: ClinVar variation 407430 (VCV000407430.17), dbSNP rs778327861, ClinGen allele CA2922926.